The following is an entry in ClinVar:

NM_024426.6(WT1):c.355T>C (p.Ser119Pro)

Genes: WT1 (WT1 transcription factor; minus strand), LOC107982234 (WT1/WT1-AS bi-directional promoter region; plus strand). Cytogenetic location: 11p13.
Variant type: single nucleotide variant.
Coding change: c.355T>C on transcript NM_024426.6 (MANE Select); coding-DNA position 355, T replaced by C.
Protein change: p.Ser119Pro; replaces serine 119 with proline.
Molecular consequence: missense variant. On other transcripts: non-coding transcript variant (1).
Genome position (GRCh38, 1-based): chr11:32,435,006, A>G on the plus strand (T>C on the coding strand, the complement: WT1 is on the minus strand). VCF-style: chr11-32435006-A-G. GRCh37 (hg19) VCF-style: chr11-32456552-A-G.
Other names: c.355T>C, p.Ser119Pro (NM_000378.6, NM_024424.5); short protein forms S119P.
Identifiers: ClinVar variation 543139 (VCV000543139.9), dbSNP rs1187111469, ClinGen allele CA379965864.

ClinVar aggregate classification (germline): Uncertain significance. Review status: criteria provided, multiple submitters, no conflicts (2 of 4 stars). 3 submissions from 3 submitters: Uncertain significance (3). Last evaluated 2026-02-02.

Conditions:
Wilms tumor 1 (WT1). Also called: Wilms tumor, somatic. Identifiers: Orphanet 654, MedGen CN033288, MONDO:0008679, OMIM 194070.
11p partial monosomy syndrome (WAGR). Also called: CHROMOSOME 11p13 DELETION SYNDROME; WAGR Spectrum Disorder; WAGR syndrome; WAGR Complex. Identifiers: Orphanet 893, MedGen C0206115, MONDO:0008681, OMIM 194072.
Drash syndrome (DDS). Also called: NEPHROPATHY, WILMS TUMOR, AND GENITAL ANOMALIES; WILMS TUMOR AND PSEUDO- OR TRUE HERMAPHRODITISM. Identifiers: Orphanet 220, MedGen C0950121, MONDO:0008682, OMIM 194080.
Frasier syndrome. Identifiers: Orphanet 347, MedGen C0950122, MeSH D052159, MONDO:0007635, OMIM 136680.
Inborn genetic diseases. Identifiers: MedGen C0950123, MeSH D030342.

Allele frequency attached by ClinVar (database versions not stated): gnomAD exomes 0.00001.
gnomAD v4.1: 4 of 1,491,374 alleles (0.00027%); highest among the groups gnomAD compares: Non-Finnish European, 0.00035%; no homozygotes.

Submissions (3):

Ambry Genetics
Classification: Uncertain significance for Inborn genetic diseases. Last evaluated: 2026-02-02. Review status: criteria provided, single submitter. Criteria: Ambry Variant Classification Scheme 2023. Collection method: clinical testing. Allele origin: germline.
Comment: The p.S114P variant (also known as c.340T>C), located in coding exon 1 of the WT1 gene, results from a T to C substitution at nucleotide position 340. The serine at codon 114 is replaced by proline, an amino acid with similar properties. This amino acid position is well conserved in available vertebrate species. In addition, the in silico prediction for this alteration is inconclusive. Based on the available evidence, the clinical significance of this variant remains unclear.

Baylor Genetics
Classification: Uncertain significance for Drash syndrome. Last evaluated: 2024-01-02. Review status: criteria provided, single submitter. Criteria: ACMG Guidelines, 2015. Collection method: clinical testing. Allele origin: unknown.

Labcorp Genetics (formerly Invitae), Labcorp
Classification: Uncertain significance for Wilms tumor 1; Drash syndrome; 11p partial monosomy syndrome; Frasier syndrome. Last evaluated: 2022-09-07. Review status: criteria provided, single submitter. Criteria: Invitae Variant Classification Sherloc (09022015). Collection method: clinical testing. Allele origin: germline.
Comment: This sequence change replaces serine, which is neutral and polar, with proline, which is neutral and non-polar, at codon 114 of the WT1 protein (p.Ser114Pro). The frequency data for this variant in the population databases is considered unreliable, as metrics indicate poor data quality at this position in the gnomAD database. This variant has not been reported in the literature in individuals affected with WT1-related conditions. ClinVar contains an entry for this variant (Variation ID: 543139). Algorithms developed to predict the effect of missense changes on protein structure and function output the following: SIFT: "Deleterious"; PolyPhen-2: "Benign"; Align-GVGD: "Class C0". The proline amino acid residue is found in multiple mammalian species, which suggests that this missense change does not adversely affect protein function. In summary, the available evidence is currently insufficient to determine the role of this variant in disease. Therefore, it has been classified as a Variant of Uncertain Significance.